The following is an entry in ClinVar:

NM_001065.4(TNFRSF1A):c.36A>G (p.Pro12=)

Gene: TNFRSF1A (TNF receptor superfamily member 1A; minus strand). Cytogenetic location: 12p13.31.
Variant type: single nucleotide variant.
Coding change: c.36A>G on transcript NM_001065.4 (MANE Select); coding-DNA position 36, A replaced by G.
Protein change: p.Pro12=; no amino-acid change (proline 12 retained).
Molecular consequence: synonymous variant. On other transcripts: 5 prime UTR variant (2), non-coding transcript variant (1).
Genome position (GRCh38, 1-based): chr12:6,341,779, T>C on the plus strand (A>G on the coding strand, the complement: TNFRSF1A is on the minus strand). VCF-style: chr12-6341779-T-C. GRCh37 (hg19) VCF-style: chr12-6450945-T-C.
Other names: p.Pro12=; c.-135A>G (NM_001346091.2); c.-542A>G (NM_001346092.2).
Identifiers: ClinVar variation 257326 (VCV000257326.45), dbSNP rs767455, ClinGen allele CA6405641.

ClinVar aggregate classification (germline): Benign/Likely benign. Review status: criteria provided, multiple submitters, no conflicts (2 of 4 stars). 16 submissions from 14 submitters: Benign (10); Likely benign (1). 5 of the submissions do not count toward it. Last evaluated 2026-02-04.

Conditions:
Susceptibility to severe coronavirus disease (COVID-19) due to high plasma levels of TNF, TNFR, and/or TNFR7.
Susceptibility to severe coronavirus disease (COVID-19). Also called: Susceptibility to severe coronavirus disease COVID-19.
TNF receptor-associated periodic fever syndrome (TRAPS) (FPF). Also called: TNF receptor 1-associated periodic fever syndrome; FAMILIAL HIBERNIAN FEVER; TNF RECEPTOR-ASSOCIATED PERIODIC SYNDROME; TUMOR NECROSIS FACTOR RECEPTOR-ASSOCIATED PERIODIC SYNDROME; Autosomal Dominant Familial Periodic Fever; TNF Receptor-Associated Periodic Fever Syndrome. Identifiers: Orphanet 32960, MedGen C1275126, MONDO:0007727, OMIM 142680.
Associated with severe COVID-19 disease.

Allele frequency attached by ClinVar (database versions not stated): 1000 Genomes Project 0.30152; 1000 Genomes Project 30x 0.30871; gnomAD exomes 0.37412 and 0.40664; ExAC 0.37550; TOPMed 0.38279; gnomAD 0.39271 and 0.39963; ESP Exome Variant Server 0.40412.
gnomAD v4.1: 653,205 of 1,613,612 alleles (40%); highest among the groups gnomAD compares: Non-Finnish European, 43%; 135,701 homozygotes.

Submissions (16):

Labcorp Genetics (formerly Invitae), Labcorp
Classification: Benign for TNF receptor-associated periodic fever syndrome (TRAPS). Last evaluated: 2026-02-04. Review status: criteria provided, single submitter. Criteria: Invitae Variant Classification Sherloc (09022015). Collection method: clinical testing. Allele origin: germline.

Women's Health and Genetics/Laboratory Corporation of America, LabCorp
Classification: Benign. Last evaluated: 2026-01-21. Review status: criteria provided, single submitter. Criteria: LabCorp Variant Classification Summary - May 2015. Collection method: clinical testing. Allele origin: germline.

ARUP Laboratories, Molecular Genetics and Genomics, ARUP Laboratories
Classification: Benign. Last evaluated: 2025-07-30. Review status: criteria provided, single submitter. Criteria: ARUP Molecular Germline Variant Investigation Process 2024. Collection method: clinical testing. Allele origin: germline.

Blueprint Genetics
Classification: Likely benign. Last evaluated: 2024-11-27. Review status: criteria provided, single submitter. Criteria: ACMG Guidelines, 2015. Collection method: clinical testing. Allele origin: germline.

Unidad de Genómica Garrahan, Hospital de Pediatría Garrahan
Classification: Benign. Last evaluated: 2023-11-12. Review status: criteria provided, single submitter. Criteria: ACMG Guidelines, 2015. Collection method: clinical testing. Allele origin: germline. Affected: no. Observed: 57 variant alleles.
Comment: This variant is classified as Benign based on local population frequency. This variant was detected in 59% of patients studied by a panel of primary immunodeficiencies. Number of patients: 57. Only high quality variants are reported.

Mayo Clinic Laboratories, Mayo Clinic
Classification: Benign. Last evaluated: 2018-03-22. Review status: criteria provided, single submitter. Criteria: ACMG Guidelines, 2015. Collection method: clinical testing. Allele origin: germline. Observed: 625 variant alleles.

Illumina Laboratory Services, Illumina
Classification: Benign for TNF receptor-associated periodic fever syndrome (TRAPS). Last evaluated: 2018-01-13. Review status: criteria provided, single submitter. Criteria: ICSL Variant Classification Criteria 13 December 2019. Collection method: clinical testing. Allele origin: germline.
Comment: This variant was observed in the ICSL laboratory as part of a predisposition screen in an ostensibly healthy population. It had not been previously curated by ICSL or reported in the Human Gene Mutation Database (HGMD: prior to June 1st, 2018), and was therefore a candidate for classification through an automated scoring system. Utilizing variant allele frequency, disease prevalence and penetrance estimates, and inheritance mode, an automated score was calculated to assess if this variant is too frequent to cause the disease. Based on the score and internal cut-off values, a variant classified as benign is not then subjected to further curation. The score for this variant resulted in a classification of benign for this disease.

Laboratory for Molecular Medicine, Mass General Brigham Personalized Medicine
Classification: Benign. Last evaluated: 2016-03-28. Review status: criteria provided, single submitter. Criteria: LMM Criteria. Collection method: clinical testing. Allele origin: germline.
Comment: Variant identified in a genome or exome case(s) and assessed due to predicted null impact of the variant or pathogenic assertions in the literature or databases. Disclaimer: This variant has not undergone full assessment. The following are preliminary notes: Frequency

GeneDx
Classification: Benign. Last evaluated: 2015-03-03. Review status: criteria provided, single submitter. Criteria: GeneDx Variant Classification Process June 2021. Collection method: clinical testing. Allele origin: germline. Affected: yes.

Breakthrough Genomics
Classification: Benign. Review status: criteria provided, single submitter. Criteria: ACMG Guidelines, 2015. Collection method: not provided. Allele origin: germline. Inheritance: Autosomal dominant inheritance. Affected: yes.

PreventionGenetics, part of Exact Sciences
Classification: Benign. Review status: criteria provided, single submitter. Criteria: ACMG Guidelines, 2015. Collection method: clinical testing. Allele origin: germline.

Pneumogenomics Laboratory, Instituto Nacional de Enfermedades Respiratorias Ismael Cosio Villegas
Classification: Uncertain significance for Associated with severe COVID-19 disease. Last evaluated: 2023-07-01. Review status: no assertion criteria provided. Collection method: research. Allele origin: germline. Affected: yes. Not counted in ClinVar's aggregate classification.

Pneumogenomics Laboratory, Instituto Nacional de Enfermedades Respiratorias Ismael Cosio Villegas
Classification: Uncertain significance for Susceptibility to severe coronavirus disease (COVID-19) due to high plasma levels of TNF, TNFR, and/or TNFR7. Last evaluated: 2021-08-07. Review status: no assertion criteria provided. Collection method: research. Allele origin: germline. Affected: yes. Not counted in ClinVar's aggregate classification.

Pneumogenomics Laboratory, Instituto Nacional de Enfermedades Respiratorias Ismael Cosio Villegas
Classification: Uncertain significance for Susceptibility to severe coronavirus disease (COVID-19). Last evaluated: 2021-02-09. Review status: no assertion criteria provided. Collection method: research. Allele origin: germline. Affected: yes. Not counted in ClinVar's aggregate classification.

Diagnostic Laboratory, Department of Genetics, University Medical Center Groningen
Classification: Benign. Review status: no assertion criteria provided. Collection method: clinical testing. Allele origin: germline. Affected: yes. Study: VKGL Data-share Consensus. Not counted in ClinVar's aggregate classification.

Genome Diagnostics Laboratory, University Medical Center Utrecht
Classification: Benign. Review status: no assertion criteria provided. Collection method: clinical testing. Allele origin: germline. Affected: yes. Study: VKGL Data-share Consensus. Not counted in ClinVar's aggregate classification.